The following is an entry in ClinVar:

NM_006231.4(POLE):c.6346A>T (p.Thr2116Ser)

Gene: POLE (DNA polymerase epsilon, catalytic subunit; minus strand). Cytogenetic location: 12q24.33.
Variant type: single nucleotide variant.
Coding change: c.6346A>T on transcript NM_006231.4 (MANE Select); coding-DNA position 6346, A replaced by T.
Protein change: p.Thr2116Ser; replaces threonine 2116 with serine.
Molecular consequence: missense variant.
Genome position (GRCh38, 1-based): chr12:132,626,302, T>A on the plus strand (A>T on the coding strand, the complement: POLE is on the minus strand). VCF-style: chr12-132626302-T-A. GRCh37 (hg19) VCF-style: chr12-133202888-T-A.
Other names: short protein forms T2116S.
Identifiers: ClinVar variation 4779771 (VCV004779771.1).

ClinVar aggregate classification (germline): Uncertain significance (1 of 4 stars; one submission).

gnomAD v4.1: 1 of 1,613,560 alleles (0.000062%); highest among the groups gnomAD compares: Admixed American, 0.0017%; no homozygotes.

Submission:

Labcorp Genetics (formerly Invitae), Labcorp
Classification: Uncertain significance. Last evaluated: 2025-02-12. Review status: criteria provided, single submitter. Criteria: Invitae Variant Classification Sherloc (09022015). Collection method: clinical testing. Allele origin: germline.
Comment: This sequence change replaces threonine, which is neutral and polar, with serine, which is neutral and polar, at codon 2116 of the POLE protein (p.Thr2116Ser). This variant is not present in population databases (gnomAD no frequency). This variant has not been reported in the literature in individuals affected with POLE-related conditions. Invitae Evidence Modeling of protein sequence and biophysical properties (such as structural, functional, and spatial information, amino acid conservation, physicochemical variation, residue mobility, and thermodynamic stability) indicates that this missense variant is not expected to disrupt POLE protein function with a negative predictive value of 80%. In summary, the available evidence is currently insufficient to determine the role of this variant in disease. Therefore, it has been classified as a Variant of Uncertain Significance.